The following is an entry in ClinVar:

NM_006231.4(POLE):c.1537A>C (p.Asn513His)

Gene: POLE (DNA polymerase epsilon, catalytic subunit; minus strand). Cytogenetic location: 12q24.33.
Variant type: single nucleotide variant.
Coding change: c.1537A>C on transcript NM_006231.4 (MANE Select); coding-DNA position 1537, A replaced by C.
Protein change: p.Asn513His; replaces asparagine 513 with histidine.
Molecular consequence: missense variant.
Genome position (GRCh38, 1-based): chr12:132,672,776, T>G on the plus strand (A>C on the coding strand, the complement: POLE is on the minus strand). VCF-style: chr12-132672776-T-G. GRCh37 (hg19) VCF-style: chr12-133249362-T-G.
Other names: short protein forms N513H.
Identifiers: ClinVar variation 1774732 (VCV001774732.3), dbSNP rs200136603, ClinGen allele CA387357300.

ClinVar aggregate classification (germline): Uncertain significance (1 of 4 stars; one submission).

Conditions:
Hereditary cancer-predisposing syndrome. Also called: Hereditary Cancer Syndrome; Hereditary neoplastic syndrome; Neoplastic Syndromes, Hereditary; Tumor predisposition. Identifiers: Orphanet 140162, MedGen C0027672, MeSH D009386, MONDO:0015356.

Submission:

Ambry Genetics
Classification: Uncertain significance for Hereditary cancer-predisposing syndrome. Last evaluated: 2025-07-25. Review status: criteria provided, single submitter. Criteria: Ambry Variant Classification Scheme 2023. Collection method: clinical testing. Allele origin: germline.
Comment: The p.N513H variant (also known as c.1537A>C), located in coding exon 15 of the POLE gene, results from an A to C substitution at nucleotide position 1537. The asparagine at codon 513 is replaced by histidine, an amino acid with similar properties. This amino acid position is conserved. In addition, this alteration is predicted to be tolerated by in silico analysis. Since supporting evidence is limited at this time, the clinical significance of this alteration remains unclear.